The following is an entry in ClinVar:

NM_004183.4(BEST1):c.896G>T (p.Gly299Val)

Gene: BEST1 (bestrophin 1; plus strand). Cytogenetic location: 11q12.3.
Variant type: single nucleotide variant.
Coding change: c.896G>T on transcript NM_004183.4 (MANE Select); coding-DNA position 896, G replaced by T.
Protein change: p.Gly299Val; replaces glycine 299 with valine.
Molecular consequence: missense variant. On other transcripts: nonsense (1), non-coding transcript variant (1), intron variant (1).
Genome position (GRCh38, 1-based): chr11:61,959,526, G>T. VCF-style: chr11-61959526-G-T. GRCh37 (hg19) VCF-style: chr11-61726998-G-T.
Other names: c.1099G>T, p.Glu367Ter (NM_001363592.2); c.-77G>T (NM_001363593.3); c.688-366G>T (NM_001300786.2); c.716G>T, p.Gly239Val (NM_001139443.3, NM_001300787.2); c.578G>T, p.Gly193Val (NM_001363591.3); short protein forms G239V, G193V, E367*, G299V.
Identifiers: ClinVar variation 3633339 (VCV003633339.2).

ClinVar aggregate classification (germline): Likely pathogenic (1 of 4 stars; one submission).

Submission:

Labcorp Genetics (formerly Invitae), Labcorp
Classification: Likely pathogenic. Last evaluated: 2024-02-08. Review status: criteria provided, single submitter. Criteria: Invitae Variant Classification Sherloc (09022015). Collection method: clinical testing. Allele origin: germline.
Comment: This sequence change replaces glycine, which is neutral and non-polar, with valine, which is neutral and non-polar, at codon 299 of the BEST1 protein (p.Gly299Val). This variant is not present in population databases (gnomAD no frequency). This variant has not been reported in the literature in individuals affected with BEST1-related conditions. Advanced modeling of protein sequence and biophysical properties (such as structural, functional, and spatial information, amino acid conservation, physicochemical variation, residue mobility, and thermodynamic stability) performed at Invitae indicates that this missense variant is expected to disrupt BEST1 protein function with a positive predictive value of 95%. This variant disrupts the p.Gly299 amino acid residue in BEST1. Other variant(s) that disrupt this residue have been determined to be pathogenic (PMID: 9662395, 11904445, 12939260, 19372599). This suggests that this residue is clinically significant, and that variants that disrupt this residue are likely to be disease-causing. In summary, the currently available evidence indicates that the variant is pathogenic, but additional data are needed to prove that conclusively. Therefore, this variant has been classified as Likely Pathogenic.

Literature cited by the submitters: PubMed 9662395; PubMed 11904445; PubMed 12939260; PubMed 19372599.